The following is an entry in ClinVar:

ClinVar aggregate classification (germline): Uncertain significance. Review status: criteria provided, multiple submitters, no conflicts (2 of 4 stars). 3 submissions from 3 submitters: Uncertain significance (2). 1 of the submissions does not count toward it. Last evaluated 2022-07-19.

Conditions:
Glycine encephalopathy. Also called: Non-ketotic hyperglycinemia; Nonketotic hyperglycinemia. Identifiers: Orphanet 407, MedGen C0751748, MONDO:0011612, HP:0008288.
GLDC-related disorder. Also called: GLDC-related condition.

Allele frequency attached by ClinVar (database versions not stated): gnomAD exomes below 0.00001; TOPMed below 0.00001.
gnomAD v4.1: 5 of 1,613,300 alleles (0.00031%); highest among the groups gnomAD compares: Admixed American, 0.0083%; no homozygotes.

Submissions (3):

Labcorp Genetics (formerly Invitae), Labcorp
Classification: Uncertain significance for Glycine encephalopathy. Last evaluated: 2022-07-19. Review status: criteria provided, single submitter. Criteria: Invitae Variant Classification Sherloc (09022015). Collection method: clinical testing. Allele origin: germline.
Comment: This sequence change replaces serine, which is neutral and polar, with phenylalanine, which is neutral and non-polar, at codon 401 of the GLDC protein (p.Ser401Phe). This variant is not present in population databases (gnomAD no frequency). This variant has not been reported in the literature in individuals affected with GLDC-related conditions. ClinVar contains an entry for this variant (Variation ID: 1493767). Advanced modeling of protein sequence and biophysical properties (such as structural, functional, and spatial information, amino acid conservation, physicochemical variation, residue mobility, and thermodynamic stability) performed at Invitae indicates that this missense variant is expected to disrupt GLDC protein function. In summary, the available evidence is currently insufficient to determine the role of this variant in disease. Therefore, it has been classified as a Variant of Uncertain Significance.

GeneDx
Classification: Uncertain significance. Last evaluated: 2022-07-06. Review status: criteria provided, single submitter. Criteria: GeneDx Variant Classification Process June 2021. Collection method: clinical testing. Allele origin: germline. Affected: yes.
Comment: Not observed at significant frequency in large population cohorts (gnomAD); In silico analysis supports that this missense variant has a deleterious effect on protein structure/function; Has not been previously published as pathogenic or benign to our knowledge

PreventionGenetics, part of Exact Sciences
Classification: Uncertain significance for GLDC-related condition. Last evaluated: 2023-10-19. Review status: no assertion criteria provided. Collection method: clinical testing. Allele origin: germline. Not counted in ClinVar's aggregate classification.
Comment: The GLDC c.1202C>T variant is predicted to result in the amino acid substitution p.Ser401Phe. To our knowledge, this variant has not been reported in the literature. This variant is reported in 0.0029% of alleles in individuals of Latino descent in gnomAD. At this time, the clinical significance of this variant is uncertain due to the absence of conclusive functional and genetic evidence.

NM_000170.3(GLDC):c.1202C>T (p.Ser401Phe)

Gene: GLDC (glycine decarboxylase; minus strand). Cytogenetic location: 9p24.1.
Variant type: single nucleotide variant.
Coding change: c.1202C>T on transcript NM_000170.3 (MANE Select); coding-DNA position 1202, C replaced by T.
Protein change: p.Ser401Phe; replaces serine 401 with phenylalanine.
Molecular consequence: missense variant.
Genome position (GRCh38, 1-based): chr9:6,595,073, G>A on the plus strand (C>T on the coding strand, the complement: GLDC is on the minus strand). VCF-style: chr9-6595073-G-A. GRCh37 (hg19) VCF-style: chr9-6595073-G-A.
Other names: short protein forms S401F.
Identifiers: ClinVar variation 1493767 (VCV001493767.8), dbSNP rs1563852496, ClinGen allele CA372894315.